The following is an entry in ClinVar:

NM_002485.5(NBN):c.2176G>A (p.Glu726Lys)

Gene: NBN (nibrin; minus strand). Cytogenetic location: 8q21.3.
Variant type: single nucleotide variant.
Coding change: c.2176G>A on transcript NM_002485.5 (MANE Select); coding-DNA position 2176, G replaced by A.
Protein change: p.Glu726Lys; replaces glutamic acid 726 with lysine.
Molecular consequence: missense variant.
Genome position (GRCh38, 1-based): chr8:89,943,261, C>T on the plus strand (G>A on the coding strand, the complement: NBN is on the minus strand). VCF-style: chr8-89943261-C-T. GRCh37 (hg19) VCF-style: chr8-90955489-C-T.
Other names: p.Glu726Lys; c.1930G>A, p.Glu644Lys (NM_001024688.3); short protein forms E644K, E726K.
Identifiers: ClinVar variation 820820 (VCV000820820.16), dbSNP rs1421870412, ClinGen allele CA371675292.

ClinVar aggregate classification (germline): Uncertain significance. Review status: criteria provided, multiple submitters, no conflicts (2 of 4 stars). 4 submissions from 4 submitters: Uncertain significance (4). Last evaluated 2025-10-15.

Conditions:
Hereditary cancer-predisposing syndrome. Also called: Hereditary Cancer Syndrome; Neoplastic Syndromes, Hereditary; Hereditary neoplastic syndrome; Tumor predisposition. Identifiers: Orphanet 140162, MedGen C0027672, MeSH D009386, MONDO:0015356.
Microcephaly, normal intelligence and immunodeficiency (NBS). Also called: Nijmegen breakage syndrome; Microcephaly with normal intelligence immunodeficiency and lymphoreticular malignancies; Nonsyndromal microcephaly autosomal recessive with normal intelligence; Seemanova syndrome 2; Immunodeficiency, microcephaly with normal intelligence; Ataxia telangiectasia variant V1. Identifiers: Orphanet 647, MedGen C0398791, MONDO:0009623, OMIM 251260.

Allele frequency attached by ClinVar (database versions not stated): gnomAD 0.00001; TOPMed 0.00001.
gnomAD v4.1: 1 of 1,613,584 alleles (0.000062%); highest among the groups gnomAD compares: Non-Finnish European, 0.000085%; no homozygotes.

Submissions (4):

Mayo Clinic Laboratories, Mayo Clinic
Classification: Uncertain significance. Last evaluated: 2025-10-15. Review status: criteria provided, single submitter. Criteria: ACMG Guidelines, 2015. Collection method: clinical testing. Allele origin: germline. Observed: 1 variant allele.
Comment: BP4, PM2_supporting

Ambry Genetics
Classification: Uncertain significance for Hereditary cancer-predisposing syndrome. Last evaluated: 2024-02-25. Review status: criteria provided, single submitter. Criteria: Ambry Variant Classification Scheme 2023. Collection method: clinical testing. Allele origin: germline.
Comment: The p.E726K variant (also known as c.2176G>A), located in coding exon 14 of the NBN gene, results from a G to A substitution at nucleotide position 2176. The glutamic acid at codon 726 is replaced by lysine, an amino acid with similar properties. This amino acid position is highly conserved in available vertebrate species. In addition, the in silico prediction for this alteration is inconclusive. Since supporting evidence is limited at this time, the clinical significance of this alteration remains unclear.

Labcorp Genetics (formerly Invitae), Labcorp
Classification: Uncertain significance for Microcephaly, normal intelligence and immunodeficiency. Last evaluated: 2023-07-16. Review status: criteria provided, single submitter. Criteria: Invitae Variant Classification Sherloc (09022015). Collection method: clinical testing. Allele origin: germline.
Comment: This variant has not been reported in the literature in individuals affected with NBN-related conditions. In summary, the available evidence is currently insufficient to determine the role of this variant in disease. Therefore, it has been classified as a Variant of Uncertain Significance. An algorithm developed to predict the effect of missense changes on protein structure and function (PolyPhen-2) suggests that this variant is likely to be disruptive. ClinVar contains an entry for this variant (Variation ID: 820820). This variant is not present in population databases (gnomAD no frequency). This sequence change replaces glutamic acid, which is acidic and polar, with lysine, which is basic and polar, at codon 726 of the NBN protein (p.Glu726Lys).

Genome-Nilou Lab
Classification: Uncertain significance for Microcephaly, normal intelligence and immunodeficiency. Last evaluated: 2021-11-07. Review status: criteria provided, single submitter. Criteria: ACMG Guidelines, 2015. Collection method: clinical testing. Allele origin: germline. Affected: no.